The following is an entry in ClinVar:

NM_001127208.3(TET2):c.3066G>T (p.Lys1022Asn)

Genes: TET2 (tet methylcytosine dioxygenase 2; plus strand), TET2-AS1 (TET2 antisense RNA 1; minus strand). Cytogenetic location: 4q24.
Variant type: single nucleotide variant.
Coding change: c.3066G>T on transcript NM_001127208.3 (MANE Select); coding-DNA position 3066, G replaced by T.
Protein change: p.Lys1022Asn; replaces lysine 1022 with asparagine.
Molecular consequence: missense variant.
Genome position (GRCh38, 1-based): chr4:105,237,008, G>T. VCF-style: chr4-105237008-G-T. GRCh37 (hg19) VCF-style: chr4-106158165-G-T.
Other names: c.3066G>T, p.Lys1022Asn (NM_017628.4); short protein forms K1022N.
Identifiers: ClinVar variation 5030721 (VCV005030721.1).

ClinVar aggregate classification (germline): Uncertain significance (1 of 4 stars; one submission).

gnomAD v4.1: 1 of 1,614,168 alleles (0.000062%); highest among the groups gnomAD compares: Non-Finnish European, 0.000085%; no homozygotes.

Submission:

Ambry Genetics
Classification: Uncertain significance. Last evaluated: 2026-07-22. Review status: criteria provided, single submitter. Criteria: Ambry Variant Classification Scheme 2023. Collection method: clinical testing. Allele origin: germline.
Comment: The p.K1022N variant (also known as c.3066G>T), located in coding exon 1 of the TET2 gene, results from a G to T substitution at nucleotide position 3066. The lysine at codon 1022 is replaced by asparagine, an amino acid with similar properties. This amino acid position is conserved. In addition, this alteration is predicted to be tolerated by in silico analysis. Based on the available evidence, the clinical significance of this variant remains unclear.